The following is an entry in ClinVar:

ClinVar aggregate classification (germline): Uncertain significance (1 of 4 stars; one submission).

Conditions:
Myopathy, proximal, and ophthalmoplegia (CMYO6). Also called: CONGENITAL MYOPATHY 6 WITH OPHTHALMOPLEGIA; MYOPATHY WITH CONGENITAL JOINT CONTRACTURES, OPHTHALMOPLEGIA, AND RIMMED VACUOLES; INCLUSION BODY MYOPATHY 3, AUTOSOMAL DOMINANT. Identifiers: Orphanet 363677, Orphanet 79091, MedGen C1854106, MONDO:0011577, OMIM 605637.

Allele frequency attached by ClinVar (database versions not stated): gnomAD 0.00001; gnomAD exomes 0.00001; TOPMed 0.00001; ExAC 0.00005.

Submission:

Labcorp Genetics (formerly Invitae), Labcorp
Classification: Uncertain significance for Myopathy, proximal, and ophthalmoplegia. Last evaluated: 2025-12-21. Review status: criteria provided, single submitter. Criteria: Invitae Variant Classification Sherloc (09022015). Collection method: clinical testing. Allele origin: germline.
Comment: This sequence change replaces glutamic acid, which is acidic and polar, with aspartic acid, which is acidic and polar, at codon 1822 of the MYH2 protein (p.Glu1822Asp). This variant is present in population databases (rs755214642, gnomAD 0.02%). This variant has not been reported in the literature in individuals affected with MYH2-related conditions. ClinVar contains an entry for this variant (Variation ID: 2068391). Invitae Evidence Modeling of protein sequence and biophysical properties (such as structural, functional, and spatial information, amino acid conservation, physicochemical variation, residue mobility, and thermodynamic stability) indicates that this missense variant is expected to disrupt MYH2 protein function with a positive predictive value of 80%. In summary, the available evidence is currently insufficient to determine the role of this variant in disease. Therefore, it has been classified as a Variant of Uncertain Significance.

NM_017534.6(MYH2):c.5466G>T (p.Glu1822Asp)

Genes: MYH2 (myosin heavy chain 2; minus strand), MYHAS (myosin heavy chain gene cluster antisense RNA; plus strand). Cytogenetic location: 17p13.1.
Variant type: single nucleotide variant.
Coding change: c.5466G>T on transcript NM_017534.6 (MANE Select); coding-DNA position 5466, G replaced by T.
Protein change: p.Glu1822Asp; replaces glutamic acid 1822 with aspartic acid.
Molecular consequence: missense variant.
Genome position (GRCh38, 1-based): chr17:10,523,502, C>A on the plus strand (G>T on the coding strand, the complement: MYH2 is on the minus strand). VCF-style: chr17-10523502-C-A. GRCh37 (hg19) VCF-style: chr17-10426819-C-A.
Other names: c.5466G>T, p.Glu1822Asp (NM_001100112.2); short protein forms E1822D.
Identifiers: ClinVar variation 2068391 (VCV002068391.4), dbSNP rs755214642, ClinGen allele CA8390400.